The following is an entry in ClinVar:

ClinVar aggregate classification (germline): Uncertain significance (1 of 4 stars; one submission).

Conditions:
Seizures, benign familial infantile, 3 (BFIS3). Also called: CONVULSIONS, BENIGN FAMILIAL INFANTILE, 3; Familial neonatal seizures. Identifiers: Orphanet 140927, Orphanet 306, MedGen C1843140, MONDO:0011904, OMIM 607745.
Developmental and epileptic encephalopathy, 11 (DEE11). Also called: Early infantile epileptic encephalopathy 11. Identifiers: Orphanet 1934, MedGen C3150987, MONDO:0013388, OMIM 613721.

Allele frequency attached by ClinVar (database versions not stated): gnomAD exomes below 0.00001; TOPMed below 0.00001; gnomAD 0.00001.
gnomAD v4.1: 2 of 1,613,912 alleles (0.00012%); highest among the groups gnomAD compares: African/African-American, 0.0013%; no homozygotes.

Submission:

Labcorp Genetics (formerly Invitae), Labcorp
Classification: Uncertain significance for Seizures, benign familial infantile, 3; Developmental and epileptic encephalopathy, 11. Last evaluated: 2023-05-16. Review status: criteria provided, single submitter. Criteria: Invitae Variant Classification Sherloc (09022015). Collection method: clinical testing. Allele origin: germline.
Comment: In summary, the available evidence is currently insufficient to determine the role of this variant in disease. Therefore, it has been classified as a Variant of Uncertain Significance. Advanced modeling of protein sequence and biophysical properties (such as structural, functional, and spatial information, amino acid conservation, physicochemical variation, residue mobility, and thermodynamic stability) performed at Invitae indicates that this missense variant is expected to disrupt SCN2A protein function. This variant has not been reported in the literature in individuals affected with SCN2A-related conditions. This variant is not present in population databases (gnomAD no frequency). This sequence change replaces isoleucine, which is neutral and non-polar, with valine, which is neutral and non-polar, at codon 1813 of the SCN2A protein (p.Ile1813Val).

NM_001040142.2(SCN2A):c.5437A>G (p.Ile1813Val)

Gene: SCN2A (sodium voltage-gated channel alpha subunit 2; plus strand). Cytogenetic location: 2q24.3.
Variant type: single nucleotide variant.
Coding change: c.5437A>G on transcript NM_001040142.2 (MANE Select); coding-DNA position 5437, A replaced by G.
Protein change: p.Ile1813Val; replaces isoleucine 1813 with valine.
Molecular consequence: missense variant.
Genome position (GRCh38, 1-based): chr2:165,389,243, A>G. VCF-style: chr2-165389243-A-G. GRCh37 (hg19) VCF-style: chr2-166245753-A-G.
Other names: c.5437A>G, p.Ile1813Val (NM_001040143.2, NM_001371246.1, NM_001371247.1 and 1 more transcripts); short protein forms I1813V.
Identifiers: ClinVar variation 2939240 (VCV002939240.3), dbSNP rs1415735621, ClinGen allele CA349038983.